The following is an entry in ClinVar:

ClinVar aggregate classification (germline): Uncertain significance (1 of 4 stars; one submission).

Conditions:
Cardiovascular phenotype. Identifiers: MedGen CN230736.

gnomAD v4.1: 5 of 1,550,344 alleles (0.00032%); highest among the groups gnomAD compares: Admixed American, 0.002%; no homozygotes.

Submission:

Ambry Genetics
Classification: Uncertain significance for Cardiovascular phenotype. Last evaluated: 2022-09-26. Review status: criteria provided, single submitter. Criteria: Ambry Variant Classification Scheme 2023. Collection method: clinical testing. Allele origin: germline.
Comment: The p.G2422D variant (also known as c.7265G>A), located in coding exon 2 of the ZNF469 gene, results from a G to A substitution at nucleotide position 7265. The glycine at codon 2422 is replaced by aspartic acid, an amino acid with similar properties. This amino acid position is conserved. In addition, this alteration is predicted to be tolerated by in silico analysis. Since supporting evidence is limited at this time, the clinical significance of this alteration remains unclear.

NM_001367624.2(ZNF469):c.7349G>A (p.Gly2450Asp)

Gene: ZNF469 (zinc finger protein 469; plus strand). Cytogenetic location: 16q24.2.
Variant type: single nucleotide variant.
Coding change: c.7349G>A on transcript NM_001367624.2 (MANE Select); coding-DNA position 7349, G replaced by A.
Protein change: p.Gly2450Asp; replaces glycine 2450 with aspartic acid.
Molecular consequence: missense variant.
Genome position (GRCh38, 1-based): chr16:88,434,819, G>A. VCF-style: chr16-88434819-G-A. GRCh37 (hg19) VCF-style: chr16-88501227-G-A.
Other names: NM_001127464.1:c.7265G>A; short protein forms G2450D.
Identifiers: ClinVar variation 1757979 (VCV001757979.2), dbSNP rs1471829166, ClinGen allele CA397109670.